The following is an entry in ClinVar:

NM_004006.3(DMD):c.1400C>T (p.Thr467Ile)

Gene: DMD (dystrophin; minus strand). Cytogenetic location: Xp21.1.
Variant type: single nucleotide variant.
Coding change: c.1400C>T on transcript NM_004006.3 (MANE Select); coding-DNA position 1400, C replaced by T.
Protein change: p.Thr467Ile; replaces threonine 467 with isoleucine.
Molecular consequence: missense variant.
Genome position (GRCh38, 1-based): chrX:32,614,385, G>A on the plus strand (C>T on the coding strand, the complement: DMD is on the minus strand). VCF-style: chrX-32614385-G-A. GRCh37 (hg19) VCF-style: chrX-32632502-G-A.
Other names: c.1388C>T, p.Thr463Ile (NM_004009.3); c.1031C>T, p.Thr344Ile (NM_004010.3); c.1376C>T, p.Thr459Ile (NM_000109.4); short protein forms T344I, T459I, T463I, T467I.
Identifiers: ClinVar variation 4800985 (VCV004800985.1).

ClinVar aggregate classification (germline): Uncertain significance (1 of 4 stars; one submission).

Conditions:
Duchenne muscular dystrophy (DMD). Also called: Duchenne Muscular Dystrophy (DMD); MUSCULAR DYSTROPHY, PSEUDOHYPERTROPHIC PROGRESSIVE, DUCHENNE TYPE. Identifiers: Orphanet 98896, MedGen C0013264, MONDO:0010679, OMIM 310200.

gnomAD v4.1: 1 of 1,207,106 alleles (0.000083%); highest among the groups gnomAD compares: Non-Finnish European, 0.00011%; no homozygotes.

Submission:

Labcorp Genetics (formerly Invitae), Labcorp
Classification: Uncertain significance for Duchenne muscular dystrophy. Last evaluated: 2025-05-04. Review status: criteria provided, single submitter. Criteria: Invitae Variant Classification Sherloc (09022015). Collection method: clinical testing. Allele origin: germline.
Comment: This sequence change replaces threonine, which is neutral and polar, with isoleucine, which is neutral and non-polar, at codon 467 of the DMD protein (p.Thr467Ile). This variant is not present in population databases (gnomAD no frequency). This variant has not been reported in the literature in individuals affected with DMD-related conditions. Invitae Evidence Modeling of protein sequence and biophysical properties (such as structural, functional, and spatial information, amino acid conservation, physicochemical variation, residue mobility, and thermodynamic stability) indicates that this missense variant is not expected to disrupt DMD protein function with a negative predictive value of 95%. In summary, the available evidence is currently insufficient to determine the role of this variant in disease. Therefore, it has been classified as a Variant of Uncertain Significance.